The following is an entry in ClinVar:

NM_001267550.2(TTN):c.101447_101448del (p.Leu33815_Tyr33816insTer)

Genes: TTN-AS1 (TTN antisense RNA 1; plus strand), TTN (titin; minus strand). Cytogenetic location: 2q31.2.
Variant type: Deletion.
Coding change: c.101447_101448del on transcript NM_001267550.2 (MANE Select); coding-DNA positions 101447 to 101448, 2 bases deleted (AT; older notation c.101447_101448delAT).
Protein change: p.Leu33815_Tyr33816insTer.
Molecular consequence: nonsense. On other transcripts: frameshift variant (1).
Genome position (GRCh38, 1-based): chr2:178,535,167-178,535,168, AT deleted on the plus strand (AT on the coding strand, the reverse complement: TTN is on the minus strand); deleting any 2 consecutive bases within chr2:178,535,167-178,535,169 gives the same sequence; the c. name uses the placement nearest the transcript's 3' end. VCF-style (leftmost placement, unchanged base first): chr2-178535166-CAT-C. GRCh37 (hg19) VCF-style: chr2-179399893-CAT-C.
Other names: c.96524_96525del, p.Leu32174_Tyr32175insTer (NM_001256850.1); c.101446_101447delTA, p.Tyr33816Terfs (NM_001267550.1); c.74252_74253del, p.Leu24750_Tyr24751insTer (NM_003319.4); c.93743_93744del, p.Leu31247_Tyr31248insTer (NM_133378.4); c.74627_74628del, p.Leu24875_Tyr24876insTer (NM_133432.3); c.74828_74829del, p.Leu24942_Tyr24943insTer (NM_133437.4).
Identifiers: ClinVar variation 5036900 (VCV005036900.1).

ClinVar aggregate classification (germline): Likely pathogenic (1 of 4 stars; one submission).

Submission:

GeneDx
Classification: Likely pathogenic. Last evaluated: 2026-04-14. Review status: criteria provided, single submitter. Criteria: GeneDx Variant Classification Process June 2021. Collection method: clinical testing. Allele origin: germline.
Comment: Located in the M-band, a region of TTN for which truncating variants are significantly associated with autosomal recessive skeletal myopathies and also with autosomal dominant cardiomyopathy (PMID: 17444505, 32778822, 36637017); Nonsense variant predicted to result in protein truncation or nonsense mediated decay in a gene for which loss of function is a known mechanism of disease; Not observed at significant frequency in large population cohorts (gnomAD); Has not been previously published as pathogenic or benign to our knowledge; This variant is associated with the following publications: (PMID: 17444505, 32778822, 36637017)